The following is an entry in ClinVar:

ClinVar aggregate classification (germline): Uncertain significance (1 of 4 stars; one submission).

Conditions:
Insulin-dependent diabetes mellitus secretory diarrhea syndrome (IPEX). Also called: Immunodysregulation, polyendocrinopathy, and enteropathy, X-linked; IPEX and IPEX-Like; IMMUNODEFICIENCY, POLYENDOCRINOPATHY, AND ENTEROPATHY, X-LINKED; DIABETES MELLITUS, CONGENITAL INSULIN-DEPENDENT, WITH FATAL SECRETORY DIARRHEA; DIARRHEA, POLYENDOCRINOPATHY, FATAL INFECTION SYNDROME, X-LINKED; ENTEROPATHY, AUTOIMMUNE, WITH HEMOLYTIC ANEMIA AND POLYENDOCRINOPATHY. Identifiers: Orphanet 37042, MedGen C0342288, MONDO:0010580, OMIM 304790. Disease mechanism: loss of function.

Allele frequency attached by ClinVar (database versions not stated): gnomAD exomes below 0.00001.
gnomAD v4.1: 1 of 1,210,805 alleles (0.000083%); highest among the groups gnomAD compares: Non-Finnish European, 0.00011%; no homozygotes.

Submission:

Labcorp Genetics (formerly Invitae), Labcorp
Classification: Uncertain significance for Insulin-dependent diabetes mellitus secretory diarrhea syndrome. Last evaluated: 2022-10-24. Review status: criteria provided, single submitter. Criteria: Invitae Variant Classification Sherloc (09022015). Collection method: clinical testing. Allele origin: germline.
Comment: In summary, the available evidence is currently insufficient to determine the role of this variant in disease. Therefore, it has been classified as a Variant of Uncertain Significance. Advanced modeling of protein sequence and biophysical properties (such as structural, functional, and spatial information, amino acid conservation, physicochemical variation, residue mobility, and thermodynamic stability) performed at Invitae indicates that this missense variant is not expected to disrupt FOXP3 protein function. This variant has not been reported in the literature in individuals affected with FOXP3-related conditions. This variant is not present in population databases (gnomAD no frequency). This sequence change replaces glycine, which is neutral and non-polar, with aspartic acid, which is acidic and polar, at codon 314 of the FOXP3 protein (p.Gly314Asp).

NM_014009.4(FOXP3):c.941G>A (p.Gly314Asp)

Gene: FOXP3 (forkhead box P3; minus strand). Cytogenetic location: Xp11.23.
Variant type: single nucleotide variant.
Coding change: c.941G>A on transcript NM_014009.4 (MANE Select); coding-DNA position 941, G replaced by A.
Protein change: p.Gly314Asp; replaces glycine 314 with aspartic acid.
Molecular consequence: missense variant.
Genome position (GRCh38, 1-based): chrX:49,253,943, C>T on the plus strand (G>A on the coding strand, the complement: FOXP3 is on the minus strand). VCF-style: chrX-49253943-C-T. GRCh37 (hg19) VCF-style: chrX-49110404-C-T.
Other names: c.836G>A, p.Gly279Asp (NM_001114377.2); short protein forms G314D, G279D.
Identifiers: ClinVar variation 2069618 (VCV002069618.4), dbSNP rs782505537, ClinGen allele CA412950576.